The following is an entry in ClinVar:

NM_000505.4(F12):c.1621T>G (p.Ser541Ala)

Gene: F12 (coagulation factor XII; minus strand). Cytogenetic location: 5q35.3.
Variant type: single nucleotide variant.
Coding change: c.1621T>G on transcript NM_000505.4 (MANE Select); coding-DNA position 1621, T replaced by G.
Protein change: p.Ser541Ala; replaces serine 541 with alanine.
Molecular consequence: missense variant.
Genome position (GRCh38, 1-based): chr5:177,402,609, A>C on the plus strand (T>G on the coding strand, the complement: F12 is on the minus strand). VCF-style: chr5-177402609-A-C. GRCh37 (hg19) VCF-style: chr5-176829610-A-C.
Other names: short protein forms S541A.
Identifiers: ClinVar variation 2656115 (VCV002656115.24), dbSNP rs752613141, ClinGen allele CA3581115.
Genomic context (GRCh38, chr5:177,402,609, plus strand): 5'-CCTGGCACGCATCGGTGCCGCCCTCGAGGAACCCTGCGCAGAGCATGCCGGGGAGGATGG[A>C]GGATCCGTGCACGTCCGGGGCTGAGCAGCGCTCCAGGGAGAGGAACGGTACCTGCGCCTC-3'
Protein context (NP_000496.2, residues 531-551): RCSAPDVHGS[Ser541Ala]ILPGMLCAGF

ClinVar aggregate classification (germline): Uncertain significance (1 of 4 stars; one submission).

Allele frequency attached by ClinVar (database versions not stated): gnomAD exomes below 0.00001; ExAC 0.00001.
gnomAD v4.1: 1 of 1,613,172 alleles (0.000062%); highest among the groups gnomAD compares: Non-Finnish European, 0.000085%; no homozygotes.

Submission:

CeGaT Center for Human Genetics Tuebingen
Classification: Uncertain significance. Last evaluated: 2023-10-01. Review status: criteria provided, single submitter. Criteria: CeGaT Center For Human Genetics Tuebingen Variant Classification Criteria Version 2. Collection method: clinical testing. Allele origin: germline. Affected: yes. Observed: 1 variant allele.
Comment: F12: PM2, BP4